The following is an entry in ClinVar:

ClinVar aggregate classification (germline): Uncertain significance (1 of 4 stars; one submission).

Submission:

Labcorp Genetics (formerly Invitae), Labcorp
Classification: Uncertain significance. Last evaluated: 2023-01-16. Review status: criteria provided, single submitter. Criteria: Invitae Variant Classification Sherloc (09022015). Collection method: clinical testing. Allele origin: unknown.
Comment: In summary, the available evidence is currently insufficient to determine the role of this variant in disease. Therefore, it has been classified as a Variant of Uncertain Significance. This variant has not been reported in the literature in individuals affected with EPHA4-related conditions. This variant is a gross deletion of the genomic region encompassing exon(s) 1-2 of the EPHA4 gene, which includes the initiator codon. This deletion extends beyond the assayed region for this gene and therefore may encompass additional genes. It is expected to result in an absent or disrupted protein product. However, the current clinical and genetic evidence is not sufficient to establish whether loss-of-function variants in EPHA4 cause disease.

NC_000002.11:g.(?_222433418)_(222436968_?)del

Gene: EPHA4 (EPH receptor A4; minus strand). Cytogenetic location: 2q36.1.
Variant type: Deletion.
Identifiers: ClinVar variation 3247522 (VCV003247522.1).